The following is an entry in ClinVar:

ClinVar aggregate classification (germline): Uncertain significance (1 of 4 stars; one submission).

Submission:

CeGaT Center for Human Genetics Tuebingen
Classification: Uncertain significance. Last evaluated: 2023-08-01. Review status: criteria provided, single submitter. Criteria: CeGaT Center For Human Genetics Tuebingen Variant Classification Criteria Version 2. Collection method: clinical testing. Allele origin: germline. Affected: yes. Observed: 1 variant allele.
Comment: RTEL1: PM2, BP4

NM_001283009.2(RTEL1):c.2227C>G (p.Arg743Gly)

Genes: RTEL1 (regulator of telomere elongation helicase 1; plus strand), RTEL1-TNFRSF6B (RTEL1-TNFRSF6B readthrough (NMD candidate); plus strand). Cytogenetic location: 20q13.33.
Variant type: single nucleotide variant.
Coding change: c.2227C>G on transcript NM_001283009.2 (MANE Select); coding-DNA position 2227, C replaced by G.
Protein change: p.Arg743Gly; replaces arginine 743 with glycine.
Molecular consequence: missense variant. On other transcripts: non-coding transcript variant (1).
Genome position (GRCh38, 1-based): chr20:63,690,172, C>G. VCF-style: chr20-63690172-C-G. GRCh37 (hg19) VCF-style: chr20-62321525-C-G.
Other names: c.1558C>G, p.Arg520Gly (NM_001283010.1); c.2227C>G, p.Arg743Gly (NM_016434.4); c.2299C>G, p.Arg767Gly (NM_032957.5); short protein forms R520G, R743G, R767G.
Identifiers: ClinVar variation 2652557 (VCV002652557.24), dbSNP rs2145430878, ClinGen allele CA409679927.